The following is an entry in ClinVar:

ClinVar aggregate classification (germline): Uncertain significance (1 of 4 stars; one submission).

Conditions:
Neuropathy, hereditary sensory, type 2C. Also called: KIF1A-Related HSAN2 (HSAN2C); Hereditary sensory and autonomic neuropathy type IIC. Identifiers: Orphanet 970, MedGen C3280168, MONDO:0013634, OMIM 614213.
Hereditary spastic paraplegia 30. Identifiers: Orphanet 101010, MedGen C5235139, MONDO:0012476.
Intellectual disability, autosomal dominant 9 (NESCAVS). Also called: NESCAV SYNDROME; KIF1A-Related Neurodevelopmental Disorder. Identifiers: Orphanet 662367, MedGen C5393830, MONDO:0013656, OMIM 614255.

gnomAD v4.1: 1 of 1,613,668 alleles (0.000062%); highest among the groups gnomAD compares: Non-Finnish European, 0.000085%; no homozygotes.

Submission:

Labcorp Genetics (formerly Invitae), Labcorp
Classification: Uncertain significance for Hereditary spastic paraplegia 30; Neuropathy, hereditary sensory, type 2C; Intellectual disability, autosomal dominant 9. Last evaluated: 2023-07-29. Review status: criteria provided, single submitter. Criteria: Invitae Variant Classification Sherloc (09022015). Collection method: clinical testing. Allele origin: germline.
Comment: In summary, the available evidence is currently insufficient to determine the role of this variant in disease. Therefore, it has been classified as a Variant of Uncertain Significance. Advanced modeling of protein sequence and biophysical properties (such as structural, functional, and spatial information, amino acid conservation, physicochemical variation, residue mobility, and thermodynamic stability) has been performed at Invitae for this missense variant, however the output from this modeling did not meet the statistical confidence thresholds required to predict the impact of this variant on KIF1A protein function. This variant has not been reported in the literature in individuals affected with KIF1A-related conditions. This variant is not present in population databases (gnomAD no frequency). This sequence change replaces valine, which is neutral and non-polar, with leucine, which is neutral and non-polar, at codon 885 of the KIF1A protein (p.Val885Leu).

NM_001244008.2(KIF1A):c.2956G>C (p.Val986Leu)

Gene: KIF1A (kinesin family member 1A; minus strand). Cytogenetic location: 2q37.3.
Variant type: single nucleotide variant.
Coding change: c.2956G>C on transcript NM_001244008.2 (MANE Select); coding-DNA position 2956, G replaced by C.
Protein change: p.Val986Leu; replaces valine 986 with leucine.
Molecular consequence: missense variant.
Genome position (GRCh38, 1-based): chr2:240,750,450, C>G on the plus strand (G>C on the coding strand, the complement: KIF1A is on the minus strand). VCF-style: chr2-240750450-C-G. GRCh37 (hg19) VCF-style: chr2-241689867-C-G.
Other names: c.2680G>C, p.Val894Leu (NM_001320705.2, NM_001330289.2, NM_001379638.1); c.2755G>C, p.Val919Leu (NM_001330290.2, NM_001379634.1, NM_001379635.1 and 1 more transcripts); c.3031G>C, p.Val1011Leu (NM_001379631.1); c.2905G>C, p.Val969Leu (NM_001379632.1); c.2929G>C, p.Val977Leu (NM_001379633.1, NM_001379642.1, NM_001379645.1); c.2653G>C, p.Val885Leu (NM_001379636.1, NM_001379639.1, NM_001379640.1 and 7 more transcripts); c.2728G>C, p.Val910Leu (NM_001379637.1, NM_001379648.1); short protein forms V986L, V885L, V894L, V969L, V977L, V1011L, V910L, V919L.
Identifiers: ClinVar variation 2950446 (VCV002950446.3), dbSNP rs2537386733, ClinGen allele CA351319984.